The following is an entry in ClinVar:

ClinVar aggregate classification (germline): Uncertain significance (1 of 4 stars; one submission).

Conditions:
Dilated cardiomyopathy 1JJ (CMD1JJ). Identifiers: Orphanet 154, MedGen C3808935, MONDO:0014095, OMIM 615235.

gnomAD v4.1: 1 of 1,612,604 alleles (0.000062%); highest among the groups gnomAD compares: African/African-American, 0.0013%; no homozygotes.

Submission:

Labcorp Genetics (formerly Invitae), Labcorp
Classification: Uncertain significance for Dilated cardiomyopathy 1JJ. Last evaluated: 2025-06-01. Review status: criteria provided, single submitter. Criteria: Invitae Variant Classification Sherloc (09022015). Collection method: clinical testing. Allele origin: germline.
Comment: This sequence change replaces glutamine, which is neutral and polar, with glutamic acid, which is acidic and polar, at codon 1242 of the LAMA4 protein (p.Gln1242Glu). This variant is present in population databases (no rsID available, gnomAD 0.01%). This variant has not been reported in the literature in individuals affected with LAMA4-related conditions. Invitae Evidence Modeling of protein sequence and biophysical properties (such as structural, functional, and spatial information, amino acid conservation, physicochemical variation, residue mobility, and thermodynamic stability) indicates that this missense variant is not expected to disrupt LAMA4 protein function with a negative predictive value of 80%. In summary, the available evidence is currently insufficient to determine the role of this variant in disease. Therefore, it has been classified as a Variant of Uncertain Significance.

NM_001105206.3(LAMA4):c.3745C>G (p.Gln1249Glu)

Gene: LAMA4 (laminin subunit alpha 4; minus strand). Cytogenetic location: 6q21.
Variant type: single nucleotide variant.
Coding change: c.3745C>G on transcript NM_001105206.3 (MANE Select); coding-DNA position 3745, C replaced by G.
Protein change: p.Gln1249Glu; replaces glutamine 1249 with glutamic acid.
Molecular consequence: missense variant.
Genome position (GRCh38, 1-based): chr6:112,132,842, G>C on the plus strand (C>G on the coding strand, the complement: LAMA4 is on the minus strand). VCF-style: chr6-112132842-G-C. GRCh37 (hg19) VCF-style: chr6-112454044-G-C.
Other names: c.3724C>G, p.Gln1242Glu (NM_001105207.3, NM_002290.5); short protein forms Q1242E, Q1249E.
Identifiers: ClinVar variation 4700138 (VCV004700138.1).
Genomic context (GRCh38, chr6:112,132,842, plus strand): 5'-TTGGTTGTAATGTTCGGAAATTAAAACCTCCTTCAAAGCCATCAAAGAAAGATATTTTCT[G>C]AATTGAAGCAATGAAGCTCTGTCCATTGAAATATGCTCTGCGAGATATCTGTGTGCCAGA-3'
Protein context (NP_001098676.2, residues 1239-1259): FNGQSFIASI[Gln1249Glu]KISFFDGFEG